The following is an entry in ClinVar:

NM_004655.4(AXIN2):c.2275C>A (p.Leu759Ile)

Gene: AXIN2 (axin 2; minus strand). Cytogenetic location: 17q24.1.
Variant type: single nucleotide variant.
Coding change: c.2275C>A on transcript NM_004655.4 (MANE Select); coding-DNA position 2275, C replaced by A.
Protein change: p.Leu759Ile; replaces leucine 759 with isoleucine.
Molecular consequence: missense variant.
Genome position (GRCh38, 1-based): chr17:65,534,042, G>T on the plus strand (C>A on the coding strand, the complement: AXIN2 is on the minus strand). VCF-style: chr17-65534042-G-T. GRCh37 (hg19) VCF-style: chr17-63530160-G-T.
Other names: c.2080C>A, p.Leu694Ile (NM_001363813.1); short protein forms L694I, L759I.
Identifiers: ClinVar variation 5032659 (VCV005032659.1).

ClinVar aggregate classification (germline): Uncertain significance (1 of 4 stars; one submission).

Conditions:
Hereditary cancer-predisposing syndrome. Also called: Neoplastic Syndromes, Hereditary; Tumor predisposition; Hereditary neoplastic syndrome; Hereditary Cancer Syndrome. Identifiers: Orphanet 140162, MedGen C0027672, MeSH D009386, MONDO:0015356.

Submission:

Ambry Genetics
Classification: Uncertain significance for Hereditary cancer-predisposing syndrome. Last evaluated: 2026-07-11. Review status: criteria provided, single submitter. Criteria: Ambry Variant Classification Scheme 2023. Collection method: clinical testing. Allele origin: germline.
Comment: The p.L759I variant (also known as c.2275C>A), located in coding exon 9 of the AXIN2 gene, results from a C to A substitution at nucleotide position 2275. The leucine at codon 759 is replaced by isoleucine, an amino acid with highly similar properties. This amino acid position is conserved. In addition, this alteration is predicted to be tolerated by in silico analysis. Based on the available evidence, the clinical significance of this variant remains unclear.